The following is an entry in ClinVar:

ClinVar aggregate classification (germline): Uncertain significance (1 of 4 stars; one submission).

Conditions:
TBXT-related disorder. Also called: TBXT-related condition.

Submission:

PreventionGenetics, part of Exact Sciences
Classification: Uncertain significance for TBXT-related condition. Last evaluated: 2026-05-23. Review status: criteria provided, single submitter. Criteria: ACMG Guidelines, 2015. Collection method: clinical testing. Allele origin: germline.
Comment: The TBXT c.711G>T variant is predicted to result in the amino acid substitution p.Gln237His. To our knowledge, this variant has not been reported in the literature or in a large population database (gnomAD), indicating this variant is rare. At this time, the clinical significance of this variant is uncertain due to the absence of conclusive functional and genetic evidence.

NM_001366285.2(TBXT):c.711G>T (p.Gln237His)

Gene: TBXT (T-box transcription factor T; minus strand). Cytogenetic location: 6q27.
Variant type: single nucleotide variant.
Coding change: c.711G>T on transcript NM_001366285.2 (MANE Select); coding-DNA position 711, G replaced by T.
Protein change: p.Gln237His; replaces glutamine 237 with histidine.
Molecular consequence: missense variant.
Genome position (GRCh38, 1-based): chr6:166,164,624, C>A on the plus strand (G>T on the coding strand, the complement: TBXT is on the minus strand). VCF-style: chr6-166164624-C-A. GRCh37 (hg19) VCF-style: chr6-166578112-C-A.
Other names: c.711G>T, p.Gln237His (NM_001270484.2, NM_001366286.2, NM_003181.4); short protein forms Q237H.
Identifiers: ClinVar variation 4996083 (VCV004996083.1).